The following is an entry in ClinVar:

ClinVar aggregate classification (germline): Uncertain significance. Review status: criteria provided, multiple submitters, no conflicts (2 of 4 stars). 2 submissions from 2 submitters: Uncertain significance (2). Last evaluated 2025-04-20.

Allele frequency attached by ClinVar (database versions not stated): ESP Exome Variant Server 0.00008; gnomAD exomes 0.00008; TOPMed 0.00009; gnomAD 0.00012; ExAC 0.00015; 1000 Genomes Project 30x 0.00016; 1000 Genomes Project 0.00020.
gnomAD v4.1: 147 of 1,614,196 alleles (0.0091%); highest among the groups gnomAD compares: Middle Eastern, 0.15%; no homozygotes.

Submissions (2):

Labcorp Genetics (formerly Invitae), Labcorp
Classification: Uncertain significance. Last evaluated: 2025-04-20. Review status: criteria provided, single submitter. Criteria: Invitae Variant Classification Sherloc (09022015). Collection method: clinical testing. Allele origin: germline.
Comment: This sequence change replaces serine, which is neutral and polar, with leucine, which is neutral and non-polar, at codon 75 of the SYNPO protein (p.Ser75Leu). This variant is present in population databases (rs200631093, gnomAD 0.05%). This variant has not been reported in the literature in individuals affected with SYNPO-related conditions. ClinVar contains an entry for this variant (Variation ID: 2712311). An algorithm developed to predict the effect of missense changes on protein structure and function outputs the following: PolyPhen-2: "Benign". The leucine amino acid residue is found in multiple mammalian species, which suggests that this missense change does not adversely affect protein function. In summary, the available evidence is currently insufficient to determine the role of this variant in disease. Therefore, it has been classified as a Variant of Uncertain Significance.

Ambry Genetics
Classification: Uncertain significance. Last evaluated: 2023-10-14. Review status: criteria provided, single submitter. Criteria: Ambry Variant Classification Scheme 2023. Collection method: clinical testing. Allele origin: germline.

NM_007286.6(SYNPO):c.224C>T (p.Ser75Leu)

Gene: SYNPO (synaptopodin; plus strand). Cytogenetic location: 5q33.1.
Variant type: single nucleotide variant.
Coding change: c.224C>T on transcript NM_007286.6 (MANE Select); coding-DNA position 224, C replaced by T.
Protein change: p.Ser75Leu; replaces serine 75 with leucine.
Molecular consequence: missense variant.
Genome position (GRCh38, 1-based): chr5:150,648,499, C>T. VCF-style: chr5-150648499-C-T. GRCh37 (hg19) VCF-style: chr5-150028061-C-T.
Other names: c.224C>T, p.Ser75Leu (NM_001109974.3); c.956C>T, p.Ser319Leu (NM_001166208.2, NM_001166209.2); c.956C>T (NM_001166208.1); short protein forms S75L, S319L.
Identifiers: ClinVar variation 2712311 (VCV002712311.4), dbSNP rs200631093, ClinGen allele CA3513179.